The following is an entry in ClinVar:

ClinVar aggregate classification (germline): Uncertain significance (1 of 4 stars; one submission).

Conditions:
Hypokalemic periodic paralysis, type 1. Also called: Hypokalemic Periodic Paralysis Type 1 (AD); HypoPP. Identifiers: Orphanet 681, MedGen C3714580, MONDO:0042979, OMIM 170400.
Malignant hyperthermia, susceptibility to, 5 (MHS5). Also called: CACNA1S-Related Malignant Hyperthermia Susceptibility. Identifiers: Orphanet 423, MedGen C1866077, MONDO:0011163, OMIM 601887.

Submission:

Labcorp Genetics (formerly Invitae), Labcorp
Classification: Uncertain significance for Hypokalemic periodic paralysis, type 1; Malignant hyperthermia, susceptibility to, 5. Last evaluated: 2021-11-20. Review status: criteria provided, single submitter. Criteria: Invitae Variant Classification Sherloc (09022015). Collection method: clinical testing. Allele origin: germline.
Comment: This variant has not been reported in the literature in individuals affected with CACNA1S-related conditions. This variant is not present in population databases (gnomAD no frequency). This sequence change replaces glutamic acid, which is acidic and polar, with glutamine, which is neutral and polar, at codon 54 of the CACNA1S protein (p.Glu54Gln). Advanced modeling of protein sequence and biophysical properties (such as structural, functional, and spatial information, amino acid conservation, physicochemical variation, residue mobility, and thermodynamic stability) performed at Invitae indicates that this missense variant is not expected to disrupt CACNA1S protein function. In summary, the available evidence is currently insufficient to determine the role of this variant in disease. Therefore, it has been classified as a Variant of Uncertain Significance.

NM_000069.3(CACNA1S):c.160G>C (p.Glu54Gln)

Gene: CACNA1S (calcium voltage-gated channel subunit alpha1 S; minus strand). Cytogenetic location: 1q32.1.
Variant type: single nucleotide variant.
Coding change: c.160G>C on transcript NM_000069.3 (MANE Select); coding-DNA position 160, G replaced by C.
Protein change: p.Glu54Gln; replaces glutamic acid 54 with glutamine.
Molecular consequence: missense variant.
Genome position (GRCh38, 1-based): chr1:201,110,262, C>G on the plus strand (G>C on the coding strand, the complement: CACNA1S is on the minus strand). VCF-style: chr1-201110262-C-G. GRCh37 (hg19) VCF-style: chr1-201079390-C-G.
Other names: short protein forms E54Q.
Identifiers: ClinVar variation 1492812 (VCV001492812.6), dbSNP rs1553254121, ClinGen allele CA344156269.